The following is an entry in ClinVar:

ClinVar aggregate classification (germline): Benign. Review status: criteria provided, multiple submitters, no conflicts (2 of 4 stars). 2 submissions from 2 submitters: Benign (2). Last evaluated 2018-01-13.

Conditions:
Melanoma, cutaneous malignant, susceptibility to, 3. Also called: Cutaneous malignant melanoma 3. Identifiers: Orphanet 618, MedGen C1836892, MONDO:0012183, OMIM 609048.

Allele frequency attached by ClinVar (database versions not stated): 1000 Genomes Project 0.00120; 1000 Genomes Project 30x 0.00141; gnomAD 0.00265 and 0.00275; TOPMed 0.00277; gnomAD exomes 0.00281.
gnomAD v4.1: 1,648 of 588,326 alleles (0.28%); highest among the groups gnomAD compares: Admixed American, 0.57%; 1 homozygote.

Submissions (2):

Illumina Laboratory Services, Illumina
Classification: Benign for Melanoma, cutaneous malignant, susceptibility to, 3. Last evaluated: 2018-01-13. Review status: criteria provided, single submitter. Criteria: ICSL Variant Classification Criteria 13 December 2019. Collection method: clinical testing. Allele origin: germline.
Comment: This variant was observed in the ICSL laboratory as part of a predisposition screen in an ostensibly healthy population. It had not been previously curated by ICSL or reported in the Human Gene Mutation Database (HGMD: prior to June 1st, 2018), and was therefore a candidate for classification through an automated scoring system. Utilizing variant allele frequency, disease prevalence and penetrance estimates, and inheritance mode, an automated score was calculated to assess if this variant is too frequent to cause the disease. Based on the score and internal cut-off values, a variant classified as benign is not then subjected to further curation. The score for this variant resulted in a classification of benign for this disease.

Breakthrough Genomics
Classification: Benign. Review status: criteria provided, single submitter. Criteria: ACMG Guidelines, 2015. Collection method: not provided. Allele origin: germline. Inheritance: Autosomal dominant inheritance. Affected: yes.

NM_000075.4(CDK4):c.*210G>A

Genes: CDK4 (cyclin dependent kinase 4; minus strand), TSPAN31 (tetraspanin 31; plus strand). Cytogenetic location: 12q14.1.
Variant type: single nucleotide variant.
Coding change: c.*210G>A on transcript NM_000075.4 (MANE Select); 210 bases downstream of the stop codon, G replaced by A.
Molecular consequence: 3 prime UTR variant.
Genome position (GRCh38, 1-based): chr12:57,748,315, C>T on the plus strand (G>A on the coding strand, the complement: CDK4 is on the minus strand). VCF-style: chr12-57748315-C-T. GRCh37 (hg19) VCF-style: chr12-58142098-C-T.
Other names: c.*1025C>T (NM_001330168.2, NM_001330169.2, NM_005981.5).
Identifiers: ClinVar variation 309977 (VCV000309977.6), dbSNP rs2069511, ClinGen allele CA10643010.